The following is an entry in ClinVar:

ClinVar aggregate classification (germline): Uncertain significance (1 of 4 stars; one submission).

Conditions:
Familial cancer of breast. Also called: Hereditary breast cancer; BREAST CANCER, FAMILIAL; hereditary breast carcinoma. Identifiers: Orphanet 227535, MedGen C0346153, MONDO:0016419, OMIM 114480. Disease mechanism: loss of function.

Submission:

Labcorp Genetics (formerly Invitae), Labcorp
Classification: Uncertain significance for Familial cancer of breast. Last evaluated: 2021-04-04. Review status: criteria provided, single submitter. Criteria: Invitae Variant Classification Sherloc (09022015). Collection method: clinical testing. Allele origin: germline.
Comment: In summary, the available evidence is currently insufficient to determine the role of this variant in disease. Therefore, it has been classified as a Variant of Uncertain Significance. Algorithms developed to predict the effect of missense changes on protein structure and function are either unavailable or do not agree on the potential impact of this missense change (SIFT: "Tolerated"; PolyPhen-2: "Possibly Damaging"; Align-GVGD: "Class C0"). This variant has not been reported in the literature in individuals with CHEK2-related conditions. This variant is not present in population databases (ExAC no frequency). This sequence change replaces leucine with arginine at codon 106 of the CHEK2 protein (p.Leu106Arg). The leucine residue is moderately conserved and there is a moderate physicochemical difference between leucine and arginine.

NM_007194.4(CHEK2):c.317T>G (p.Leu106Arg)

Gene: CHEK2 (checkpoint kinase 2; minus strand). Cytogenetic location: 22q12.1.
Variant type: single nucleotide variant.
Coding change: c.317T>G on transcript NM_007194.4 (MANE Select); coding-DNA position 317, T replaced by G.
Protein change: p.Leu106Arg; replaces leucine 106 with arginine.
Molecular consequence: missense variant.
Genome position (GRCh38, 1-based): chr22:28,734,405, A>C on the plus strand (T>G on the coding strand, the complement: CHEK2 is on the minus strand). VCF-style: chr22-28734405-A-C. GRCh37 (hg19) VCF-style: chr22-29130393-A-C.
Other names: c.317T>G, p.Leu106Arg (NM_001005735.3, NM_001349956.3, NM_145862.3); c.-461T>G (NM_001257387.3); short protein forms L106R.
Identifiers: ClinVar variation 1384707 (VCV001384707.9), dbSNP rs1601850987, ClinGen allele CA411090164.